The following is an entry in ClinVar:

ClinVar aggregate classification (germline): Likely pathogenic (1 of 4 stars; one submission).

Conditions:
Alkaptonuria (AKU). Also called: HOMOGENTISIC ACID OXIDASE DEFICIENCY; Homogentisic acidura; Alkaptonuric ochronosis; Alcaptonuria. Identifiers: Orphanet 56, MedGen C0002066, MONDO:0008753, OMIM 203500.

Allele frequency attached by ClinVar (database versions not stated): gnomAD exomes below 0.00001.
gnomAD v4.1: 5 of 1,610,158 alleles (0.00031%); highest among the groups gnomAD compares: Non-Finnish European, 0.00042%; no homozygotes.

Submission:

Labcorp Genetics (formerly Invitae), Labcorp
Classification: Likely pathogenic for Alkaptonuria. Last evaluated: 2020-11-12. Review status: criteria provided, single submitter. Criteria: Invitae Variant Classification Sherloc (09022015). Collection method: clinical testing. Allele origin: germline.
Comment: This sequence change affects an acceptor splice site in intron 4 of the HGD gene. It is expected to disrupt RNA splicing. Variants that disrupt the donor or acceptor splice site typically lead to a loss of protein function (PMID: 16199547), and loss-of-function variants in HGD are known to be pathogenic (PMID: 12501223, 19862842). This variant is not present in population databases (ExAC no frequency). This variant has not been reported in the literature in individuals with HGD-related conditions. Algorithms developed to predict the effect of sequence changes on RNA splicing suggest that this variant may disrupt the consensus splice site, but this prediction has not been confirmed by published transcriptional studies. In summary, the currently available evidence indicates that the variant is pathogenic, but additional data are needed to prove that conclusively. Therefore, this variant has been classified as Likely Pathogenic.

Literature cited by the submitters: PubMed 16199547; PubMed 12501223; PubMed 19862842.

NM_000187.4(HGD):c.283-1G>A

Gene: HGD (homogentisate 1,2-dioxygenase; minus strand). Cytogenetic location: 3q13.33.
Variant type: single nucleotide variant.
Coding change: c.283-1G>A on transcript NM_000187.4 (MANE Select); the canonical splice acceptor site of the intron before coding-DNA position 283, G replaced by A.
Molecular consequence: splice acceptor variant.
Genome position (GRCh38, 1-based): chr3:120,652,652, C>T on the plus strand (G>A on the coding strand, the complement: HGD is on the minus strand). VCF-style: chr3-120652652-C-T. GRCh37 (hg19) VCF-style: chr3-120371499-C-T.
Identifiers: ClinVar variation 1484020 (VCV001484020.8), dbSNP rs2107522179, ClinGen allele CA354078827.